The following is an entry in ClinVar:

ClinVar aggregate classification (germline): Benign/Likely benign. Review status: criteria provided, multiple submitters, no conflicts (2 of 4 stars). 6 submissions from 6 submitters: Benign (1); Likely benign (5). Last evaluated 2026-04-28.

Conditions:
Colorectal cancer, hereditary nonpolyposis, type 7. Identifiers: Orphanet 144, MedGen C1858380, MONDO:0013725, OMIM 614385.

Allele frequency attached by ClinVar (database versions not stated): 1000 Genomes Project 30x 0.00234; gnomAD exomes 0.00018 and 0.00045; ExAC 0.00053; gnomAD 0.00182 and 0.00199; TOPMed 0.00191; 1000 Genomes Project 0.00200; ESP Exome Variant Server 0.00223.
gnomAD v4.1: 556 of 1,610,798 alleles (0.035%); highest among the groups gnomAD compares: African/African-American, 0.69%; 2 homozygotes.

Submissions (6):

Myriad Genetics, Inc.
Classification: Likely benign for Colorectal cancer, hereditary nonpolyposis, type 7. Last evaluated: 2026-04-28. Review status: criteria provided, single submitter. Criteria: Myriad Autosomal Dominant, Autosomal Recessive and X-Linked Classification Criteria (2023). Collection method: clinical testing. Allele origin: unknown.
Comment: This variant is considered likely benign. This variant is intronic and is not expected to impact mRNA splicing.

Labcorp Genetics (formerly Invitae), Labcorp
Classification: Benign for Colorectal cancer, hereditary nonpolyposis, type 7. Last evaluated: 2025-12-23. Review status: criteria provided, single submitter. Criteria: Invitae Variant Classification Sherloc (09022015). Collection method: clinical testing. Allele origin: germline.

Center for Genomic Medicine, Rigshospitalet, Copenhagen University Hospital
Classification: Likely benign. Last evaluated: 2025-03-04. Review status: criteria provided, single submitter. Criteria: ACMG Guidelines, 2015. Collection method: clinical testing. Allele origin: germline.

Blueprint Genetics
Classification: Likely benign. Last evaluated: 2024-11-22. Review status: criteria provided, single submitter. Criteria: ACMG Guidelines, 2015. Collection method: clinical testing. Allele origin: germline.

Department of Pathology and Laboratory Medicine, Sinai Health System
Classification: Likely benign for colorectal cancer, hereditary nonpolyposis, type 7. Last evaluated: 2022-06-22. Review status: criteria provided, single submitter. Criteria: ACMG Guidelines, 2015. Collection method: clinical testing. Allele origin: germline. Affected: yes.

Illumina Laboratory Services, Illumina
Classification: Likely benign for Colorectal cancer, hereditary nonpolyposis, type 7. Last evaluated: 2018-01-13. Review status: criteria provided, single submitter. Criteria: ICSL Variant Classification Criteria 13 December 2019. Collection method: clinical testing. Allele origin: germline.
Comment: This variant was observed in the ICSL laboratory as part of a predisposition screen in an ostensibly healthy population. It had not been previously curated by ICSL or reported in the Human Gene Mutation Database (HGMD: prior to June 1st, 2018), and was therefore a candidate for classification through an automated scoring system. Utilizing variant allele frequency, disease prevalence and penetrance estimates, and inheritance mode, an automated score was calculated to assess if this variant is too frequent to cause the disease. Based on the score and internal cut-off values, a variant classified as likely benign is not then subjected to further curation. The score for this variant resulted in a classification of likely benign for this disease.

NM_001040108.2(MLH3):c.3644-13C>T

Gene: MLH3 (mutL homolog 3; minus strand). Cytogenetic location: 14q24.3.
Variant type: single nucleotide variant.
Coding change: c.3644-13C>T on transcript NM_001040108.2 (MANE Select); 13 bases into the intron before coding-DNA position 3644, C replaced by T.
Molecular consequence: intron variant.
Genome position (GRCh38, 1-based): chr14:75,033,503, G>A on the plus strand (C>T on the coding strand, the complement: MLH3 is on the minus strand). VCF-style: chr14-75033503-G-A. GRCh37 (hg19) VCF-style: chr14-75500206-G-A.
Other names: c.3644-1324C>T (NM_014381.3).
Identifiers: ClinVar variation 888448 (VCV000888448.16), dbSNP rs189760727, ClinGen allele CA7275371.
Genomic context (GRCh38, chr14:75,033,503, plus strand): 5'-TACGCTCATGGGCAGCGTGCTGATCCACCAGCACGAGCAGGTTCCCACCTAGATGAGCAA[G>A]GATTGTGAACTTTGATTCTCAGAGCAAGACGACAACCATCATGTGTGTTGAGGACAGAGA-3'